The following is an entry in ClinVar:

NM_004006.3(DMD):c.2210G>A (p.Arg737His)

Gene: DMD (dystrophin; minus strand). Cytogenetic location: Xp21.1.
Variant type: single nucleotide variant.
Coding change: c.2210G>A on transcript NM_004006.3 (MANE Select); coding-DNA position 2210, G replaced by A.
Protein change: p.Arg737His; replaces arginine 737 with histidine.
Molecular consequence: missense variant.
Genome position (GRCh38, 1-based): chrX:32,518,090, C>T on the plus strand (G>A on the coding strand, the complement: DMD is on the minus strand). VCF-style: chrX-32518090-C-T. GRCh37 (hg19) VCF-style: chrX-32536207-C-T.
Other names: c.2186G>A, p.Arg729His (NM_000109.4); c.2198G>A, p.Arg733His (NM_004009.3); c.1841G>A, p.Arg614His (NM_004010.3); short protein forms R737H, R614H, R733H, R729H.
Identifiers: ClinVar variation 290532 (VCV000290532.48), dbSNP rs773358704, ClinGen allele CA10379599.

ClinVar aggregate classification (germline): Conflicting classifications of pathogenicity. Review status: criteria provided, conflicting classifications (1 of 4 stars). 6 submissions from 6 submitters: Uncertain significance (3); Likely benign (3). Last evaluated 2025-10-05.

Conditions:
Cardiovascular phenotype. Identifiers: MedGen CN230736.
Dilated cardiomyopathy 3B (CMD3B). Also called: CMD3B: DMD-Related Dilated Cardiomyopathy; CARDIOMYOPATHY, DILATED, X-LINKED; DMD-Associated Dilated Cardiomyopathy. Identifiers: Orphanet 154, MedGen C3668940, MONDO:0010542, OMIM 302045.
Duchenne muscular dystrophy (DMD). Also called: MUSCULAR DYSTROPHY, PSEUDOHYPERTROPHIC PROGRESSIVE, DUCHENNE TYPE; Duchenne Muscular Dystrophy (DMD). Identifiers: Orphanet 98896, MedGen C0013264, MONDO:0010679, OMIM 310200.

Allele frequency attached by ClinVar (database versions not stated): TOPMed 0.00001; gnomAD 0.00002 and 0.00003; ExAC 0.00004.
gnomAD v4.1: 25 of 1,208,090 alleles (0.0021%); highest among the groups gnomAD compares: South Asian, 0.032%; no homozygotes.

Submissions (6):

Labcorp Genetics (formerly Invitae), Labcorp
Classification: Likely benign for Duchenne muscular dystrophy. Last evaluated: 2025-10-05. Review status: criteria provided, single submitter. Criteria: Invitae Variant Classification Sherloc (09022015). Collection method: clinical testing. Allele origin: germline.

Women's Health and Genetics/Laboratory Corporation of America, LabCorp
Classification: Likely benign. Last evaluated: 2024-07-30. Review status: criteria provided, single submitter. Criteria: LabCorp Variant Classification Summary - May 2015. Collection method: clinical testing. Allele origin: germline.
Comment: Variant summary: DMD c.2210G>A (p.Arg737His) results in a non-conservative amino acid change in the encoded protein sequence. Five of five in-silico tools predict a damaging effect of the variant on protein function. The variant allele was found at a frequency of 2.1e-05 in 1208090 control chromosomes. The observed variant frequency is approximately 1.88 fold of the estimated maximal expected allele frequency for a pathogenic variant in DMD causing Duchenne Muscular Dystrophy phenotype (1.1e-05). To our knowledge, no occurrence of c.2210G>A in individuals affected with Duchenne Muscular Dystrophy and no experimental evidence demonstrating its impact on protein function have been reported. ClinVar contains an entry for this variant (Variation ID: 290532). Based on the evidence outlined above, the variant was classified as likely benign.

Ambry Genetics
Classification: Uncertain significance for Cardiovascular phenotype. Last evaluated: 2023-06-02. Review status: criteria provided, single submitter. Criteria: Ambry Variant Classification Scheme 2023. Collection method: clinical testing. Allele origin: germline.
Comment: The p.R737H variant (also known as c.2210G>A), located in coding exon 18 of the DMD gene, results from a G to A substitution at nucleotide position 2210. The arginine at codon 737 is replaced by histidine, an amino acid with highly similar properties. Based on data from gnomAD, the A allele has an overall frequency of 0.004% (8/204734) total alleles studied, with 3 hemizygotes observed. The highest observed frequency was 0.032% (6/18994) of South Asian alleles. This amino acid position is highly conserved in available vertebrate species. In addition, the in silico prediction for this alteration is inconclusive. Since supporting evidence is limited at this time, the clinical significance of this alteration remains unclear.

CeGaT Center for Human Genetics Tuebingen
Classification: Likely benign. Last evaluated: 2023-02-01. Review status: criteria provided, single submitter. Criteria: CeGaT Center For Human Genetics Tuebingen Variant Classification Criteria Version 2. Collection method: clinical testing. Allele origin: germline. Affected: yes. Observed: 1 variant allele.
Comment: DMD: BS2

Illumina Laboratory Services, Illumina
Classification: Uncertain significance for Dilated cardiomyopathy 3B. Last evaluated: 2018-01-13. Review status: criteria provided, single submitter. Criteria: ICSL Variant Classification Criteria 13 December 2019. Collection method: clinical testing. Allele origin: germline.

Eurofins Ntd Llc (ga)
Classification: Uncertain significance. Last evaluated: 2016-08-18. Review status: criteria provided, single submitter. Criteria: EGL Classification Definitions 2015. Collection method: clinical testing. Allele origin: germline. Observed: 1 variant allele, 1 heterozygote.